The following is an entry in ClinVar:

ClinVar aggregate classification (germline): Pathogenic (1 of 4 stars; one submission).

Submission:

Labcorp Genetics (formerly Invitae), Labcorp
Classification: Pathogenic. Last evaluated: 2022-03-24. Review status: criteria provided, single submitter. Criteria: Invitae Variant Classification Sherloc (09022015). Collection method: clinical testing. Allele origin: germline.
Comment: This variant is not present in population databases (gnomAD no frequency). This sequence change creates a premature translational stop signal (p.Met503Ilefs*5) in the HPS3 gene. It is expected to result in an absent or disrupted protein product. Loss-of-function variants in HPS3 are known to be pathogenic (PMID: 11590544). This variant has not been reported in the literature in individuals affected with HPS3-related conditions. ClinVar contains an entry for this variant (Variation ID: 1068956). Algorithms developed to predict the effect of sequence changes on RNA splicing suggest that this variant may disrupt the consensus splice site. For these reasons, this variant has been classified as Pathogenic.

Literature cited by the submitters: PubMed 11590544.

NM_032383.5(HPS3):c.1508dup (p.Met503fs)

Gene: HPS3 (HPS3 biogenesis of lysosomal organelles complex 2 subunit 1; plus strand). Cytogenetic location: 3q24.
Variant type: Duplication.
Coding change: c.1508dup on transcript NM_032383.5 (MANE Select); coding-DNA position 1508, one base duplicated (T; older notation c.1508dupT).
Protein change: p.Met503fs; shifts the reading frame from methionine 503.
Molecular consequence: frameshift variant.
Genome position (GRCh38, 1-based): chr3:149,155,214, T duplicated. VCF-style (leftmost placement, unchanged base first): chr3-149155213-A-AT. GRCh37 (hg19) VCF-style: chr3-148873000-A-AT.
Other names: c.1013dup, p.Met338fs (NM_001308258.2); short protein forms M338fs, M503fs.
Identifiers: ClinVar variation 1068956 (VCV001068956.7), dbSNP rs2108155359, ClinGen allele CA2499216544.